The following is an entry in ClinVar:

NC_000017.10:g.(?_14139889)_(15142928_?)del

Genes: CDRT15 (CMT1A duplicated region transcript 15; minus strand), HS3ST3B1 (heparan sulfate-glucosamine 3-sulfotransferase 3B1; plus strand), PMP22 (peripheral myelin protein 22; minus strand). Cytogenetic location: 17p12.
Variant type: Deletion.
Identifiers: ClinVar variation 1460285 (VCV001460285.5).

ClinVar aggregate classification (germline): Pathogenic (1 of 4 stars; one submission).

Conditions:
Charcot-Marie-Tooth disease, type I (CMT1). Also called: Charcot-Marie-Tooth, Type 1; Charcot-Marie-Tooth disease type 1. Identifiers: Orphanet 65753, MedGen C0751036, MONDO:0019011.

Submission:

Labcorp Genetics (formerly Invitae), Labcorp
Classification: Pathogenic for Charcot-Marie-Tooth disease, type I. Last evaluated: 2021-09-16. Review status: criteria provided, single submitter. Criteria: Invitae Variant Classification Sherloc (09022015). Collection method: clinical testing. Allele origin: germline.
Comment: This variant is a gross deletion of the genomic region encompassing exon(s) 4-5 of the PMP22 gene, which includes the termination codon. This deletion extends beyond the assayed region for this gene and therefore may encompass additional genes. While this deletion is not anticipated to lead to nonsense mediated decay, it is expected to alter mRNA translation or result in a truncated protein product. A similar copy number variant has been observed in individual(s) with hereditary neuropathy with liability to pressure palsies or Charcot-Marie-Tooth disease (PMID: 12207933, 20493460). The region of the PMP22 gene that includes exon(s) 5 has been determined to be clinically significant (PMID: 20739940, 22190321; Invitae). Therefore, deletions that encompass that region are likely to be disease-causing. For these reasons, this variant has been classified as Pathogenic.

Literature cited by the submitters: PubMed 12207933; PubMed 20493460; PubMed 20739940; PubMed 22190321.